The following is an entry in ClinVar:

ClinVar aggregate classification (germline): Likely benign. Review status: criteria provided, single submitter (1 of 4 stars). 2 submissions from 2 submitters: Likely benign (1). 1 of the submissions does not count toward it. Last evaluated 2019-12-31.

Conditions:
ADAM22-related disorder. Also called: ADAM22-related condition.

Allele frequency attached by ClinVar (database versions not stated): ExAC 0.00037; 1000 Genomes Project 0.00100; ESP Exome Variant Server 0.00117; 1000 Genomes Project 30x 0.00141; gnomAD 0.00163 and 0.00181; TOPMed 0.00171.
gnomAD v4.1: 464 of 1,608,916 alleles (0.029%); highest among the groups gnomAD compares: African/African-American, 0.59%; 1 homozygote.

Submissions (2):

Labcorp Genetics (formerly Invitae), Labcorp
Classification: Likely benign. Last evaluated: 2019-12-31. Review status: criteria provided, single submitter. Criteria: Invitae Variant Classification Sherloc (09022015). Collection method: clinical testing. Allele origin: germline.

PreventionGenetics, part of Exact Sciences
Classification: Likely benign for ADAM22-related condition. Last evaluated: 2020-04-06. Review status: no assertion criteria provided. Collection method: clinical testing. Allele origin: germline. Not counted in ClinVar's aggregate classification.
Comment: This variant is classified as likely benign based on ACMG/AMP sequence variant interpretation guidelines (Richards et al. 2015 PMID: 25741868, with internal and published modifications).

NM_001324418.2(ADAM22):c.1934A>T (p.Asp645Val)

Gene: ADAM22 (ADAM metallopeptidase domain 22; plus strand). Cytogenetic location: 7q21.12.
Variant type: single nucleotide variant.
Coding change: c.1934A>T on transcript NM_001324418.2 (MANE Select); coding-DNA position 1934, A replaced by T.
Protein change: p.Asp645Val; replaces aspartic acid 645 with valine.
Molecular consequence: missense variant.
Genome position (GRCh38, 1-based): chr7:88,163,038, A>T. VCF-style: chr7-88163038-A-T. GRCh37 (hg19) VCF-style: chr7-87792353-A-T.
Other names: c.1931A>T, p.Asp644Val (NM_001324417.2, NM_001324419.2, NM_001391978.1 and 2 more transcripts); c.1934A>T, p.Asp645Val (NM_001324420.2, NM_001324421.2, NM_001391976.1 and 6 more transcripts); c.1985A>T, p.Asp662Val (NM_001391975.1, NM_001391980.1); c.1910A>T, p.Asp637Val (NM_001391982.1); short protein forms D645V, D644V, D637V, D662V.
Identifiers: ClinVar variation 734042 (VCV000734042.6), dbSNP rs189398829, ClinGen allele CA4330697.